The following is an entry in ClinVar:

NM_005529.7(HSPG2):c.12370G>A (p.Glu4124Lys)

Gene: HSPG2 (heparan sulfate proteoglycan 2; minus strand). Cytogenetic location: 1p36.12.
Variant type: single nucleotide variant.
Coding change: c.12370G>A on transcript NM_005529.7 (MANE Select); coding-DNA position 12370, G replaced by A.
Protein change: p.Glu4124Lys; replaces glutamic acid 4124 with lysine.
Molecular consequence: missense variant.
Genome position (GRCh38, 1-based): chr1:21,828,294, C>T on the plus strand (G>A on the coding strand, the complement: HSPG2 is on the minus strand). VCF-style: chr1-21828294-C-T. GRCh37 (hg19) VCF-style: chr1-22154787-C-T.
Other names: c.12373G>A, p.Glu4125Lys (NM_001291860.2); short protein forms E4124K, E4125K.
Identifiers: ClinVar variation 2432607 (VCV002432607.4), dbSNP rs368254139, ClinGen allele CA669455.

ClinVar aggregate classification (germline): Uncertain significance. Review status: criteria provided, multiple submitters, no conflicts (2 of 4 stars). 2 submissions from 2 submitters: Uncertain significance (2). Last evaluated 2024-07-23.

Allele frequency attached by ClinVar (database versions not stated): ExAC 0.00002; gnomAD exomes 0.00002; gnomAD 0.00003; TOPMed 0.00003; ESP Exome Variant Server 0.00015.
gnomAD v4.1: 29 of 1,613,686 alleles (0.0018%); highest among the groups gnomAD compares: Non-Finnish European, 0.0023%; no homozygotes.

Submissions (2):

Labcorp Genetics (formerly Invitae), Labcorp
Classification: Uncertain significance. Last evaluated: 2024-07-23. Review status: criteria provided, single submitter. Criteria: Invitae Variant Classification Sherloc (09022015). Collection method: clinical testing. Allele origin: germline.
Comment: This sequence change replaces glutamic acid, which is acidic and polar, with lysine, which is basic and polar, at codon 4124 of the HSPG2 protein (p.Glu4124Lys). This variant is present in population databases (rs368254139, gnomAD 0.004%). This variant has not been reported in the literature in individuals affected with HSPG2-related conditions. ClinVar contains an entry for this variant (Variation ID: 2432607). An algorithm developed to predict the effect of missense changes on protein structure and function (PolyPhen-2) suggests that this variant¬†is likely to be tolerated. In summary, the available evidence is currently insufficient to determine the role of this variant in disease. Therefore, it has been classified as a Variant of Uncertain Significance.

Revvity Omics, Revvity
Classification: Uncertain significance. Last evaluated: 2021-05-06. Review status: criteria provided, single submitter. Criteria: ACMG Guidelines, 2015. Collection method: clinical testing. Allele origin: germline.